The following is an entry in ClinVar:

NM_001035.3(RYR2):c.3934G>A (p.Glu1312Lys)

Genes: RYR2 (ryanodine receptor 2; plus strand), LOC126806067 (BRD4-independent group 4 enhancer GRCh37_chr1:237753258-237754457; plus strand). Cytogenetic location: 1q43.
Variant type: single nucleotide variant.
Coding change: c.3934G>A on transcript NM_001035.3 (MANE Select); coding-DNA position 3934, G replaced by A.
Protein change: p.Glu1312Lys; replaces glutamic acid 1312 with lysine.
Molecular consequence: missense variant.
Genome position (GRCh38, 1-based): chr1:237,590,766, G>A. VCF-style: chr1-237590766-G-A. GRCh37 (hg19) VCF-style: chr1-237754066-G-A.
Other names: short protein forms E1312K.
Identifiers: ClinVar variation 4773950 (VCV004773950.1).

ClinVar aggregate classification (germline): Uncertain significance (1 of 4 stars; one submission).

Conditions:
Catecholaminergic polymorphic ventricular tachycardia 1. Also called: VENTRICULAR TACHYCARDIA, STRESS-INDUCED POLYMORPHIC 1; RYR2-Related Catecholaminergic Polymorphic Ventricular Tachycardia; VENTRICULAR TACHYCARDIA, CATECHOLAMINERGIC POLYMORPHIC, 1, WITH OR WITHOUT ATRIAL DYSFUNCTION AND/OR DILATED CARDIOMYOPATHY. Identifiers: Orphanet 3286, MedGen C1631597, MONDO:0011484, OMIM 604772.

Submission:

Labcorp Genetics (formerly Invitae), Labcorp
Classification: Uncertain significance for Catecholaminergic polymorphic ventricular tachycardia 1. Last evaluated: 2025-12-09. Review status: criteria provided, single submitter. Criteria: Invitae Variant Classification Sherloc (09022015). Collection method: clinical testing. Allele origin: germline.
Comment: This sequence change replaces glutamic acid, which is acidic and polar, with lysine, which is basic and polar, at codon 1312 of the RYR2 protein (p.Glu1312Lys). This variant is not present in population databases (gnomAD no frequency). This variant has not been reported in the literature in individuals affected with RYR2-related conditions. Invitae Evidence Modeling of protein sequence and biophysical properties (such as structural, functional, and spatial information, amino acid conservation, physicochemical variation, residue mobility, and thermodynamic stability) indicates that this missense variant is not expected to disrupt RYR2 protein function with a negative predictive value of 95%. In summary, the available evidence is currently insufficient to determine the role of this variant in disease. Therefore, it has been classified as a Variant of Uncertain Significance.